The following is an entry in ClinVar:

NM_005732.4(RAD50):c.1793+4A>G

Gene: RAD50 (RAD50 double strand break repair protein; plus strand). Cytogenetic location: 5q31.1.
Variant type: single nucleotide variant.
Coding change: c.1793+4A>G on transcript NM_005732.4 (MANE Select); 4 bases into the intron after coding-DNA position 1793, A replaced by G.
Molecular consequence: intron variant.
Genome position (GRCh38, 1-based): chr5:132,592,038, A>G. VCF-style: chr5-132592038-A-G. GRCh37 (hg19) VCF-style: chr5-131927730-A-G.
Identifiers: ClinVar variation 2754136 (VCV002754136.3), dbSNP rs863224738, ClinGen allele CA2697546477.

ClinVar aggregate classification (germline): Likely pathogenic (1 of 4 stars; one submission).

Conditions:
Hereditary cancer-predisposing syndrome. Also called: Neoplastic Syndromes, Hereditary; Hereditary Cancer Syndrome; Tumor predisposition; Hereditary neoplastic syndrome. Identifiers: Orphanet 140162, MedGen C0027672, MeSH D009386, MONDO:0015356.

Submission:

Labcorp Genetics (formerly Invitae), Labcorp
Classification: Likely pathogenic for Hereditary cancer-predisposing syndrome. Last evaluated: 2023-08-20. Review status: criteria provided, single submitter. Criteria: Invitae Variant Classification Sherloc (09022015). Collection method: clinical testing. Allele origin: germline.
Comment: This sequence change falls in intron 11 of the RAD50 gene. It does not directly change the encoded amino acid sequence of the RAD50 protein. RNA analysis indicates that this variant induces altered splicing and may result in an absent or disrupted protein product. This variant is not present in population databases (gnomAD no frequency). This variant has not been reported in the literature in individuals affected with RAD50-related conditions. Variants that disrupt the consensus splice site are a relatively common cause of aberrant splicing (PMID: 17576681, 9536098). Studies have shown that this variant results in skipping of exon 11 and introduces a premature termination codon (Invitae). The resulting mRNA is expected to undergo nonsense-mediated decay. This variant disrupts the c.1793+4A nucleotide in the RAD50 gene. Other variant(s) that disrupt this nucleotide have been determined to be pathogenic (Invitae). This suggests that this nucleotide is clinically significant, and that variants that disrupt this position are likely to be disease-causing. In summary, the currently available evidence indicates that the variant is pathogenic, but additional data are needed to prove that conclusively. Therefore, this variant has been classified as Likely Pathogenic.

Literature cited by the submitters: PubMed 17576681; PubMed 9536098.